The following is an entry in ClinVar:

ClinVar aggregate classification (germline): Uncertain significance. Review status: criteria provided, multiple submitters, no conflicts (2 of 4 stars). 2 submissions from 2 submitters: Uncertain significance (2). Last evaluated 2023-03-31.

Conditions:
Neurofibromatosis, type 1 (NF1). Also called: Neurofibromatosis, type I; VON RECKLINGHAUSEN DISEASE; NEUROFIBROMATOSIS, TYPE I, SOMATIC; Peripheral type neurofibromatosis. Identifiers: Orphanet 636, MedGen C0027831, MONDO:0018975, OMIM 162200. Disease mechanism: loss of function.

Submissions (2):

Labcorp Genetics (formerly Invitae), Labcorp
Classification: Uncertain significance for Neurofibromatosis, type 1. Last evaluated: 2023-03-31. Review status: criteria provided, single submitter. Criteria: Invitae Variant Classification Sherloc (09022015). Collection method: clinical testing. Allele origin: germline.
Comment: In summary, the available evidence is currently insufficient to determine the role of this variant in disease. Therefore, it has been classified as a Variant of Uncertain Significance. Advanced modeling of protein sequence and biophysical properties (such as structural, functional, and spatial information, amino acid conservation, physicochemical variation, residue mobility, and thermodynamic stability) has been performed at Invitae for this missense variant, however the output from this modeling did not meet the statistical confidence thresholds required to predict the impact of this variant on NF1 protein function. This variant has not been reported in the literature in individuals affected with NF1-related conditions. This variant is not present in population databases (gnomAD no frequency). This sequence change replaces serine, which is neutral and polar, with glycine, which is neutral and non-polar, at codon 1318 of the NF1 protein (p.Ser1318Gly).

Blueprint Genetics
Classification: Uncertain significance. Last evaluated: 2018-03-12. Review status: criteria provided, single submitter. Criteria: ACMG Guidelines, 2015. Collection method: clinical testing. Allele origin: germline.

NM_001042492.3(NF1):c.3952A>G (p.Ser1318Gly)

Gene: NF1 (neurofibromin 1; plus strand). Cytogenetic location: 17q11.2.
Variant type: single nucleotide variant.
Coding change: c.3952A>G on transcript NM_001042492.3 (MANE Select); coding-DNA position 3952, A replaced by G.
Protein change: p.Ser1318Gly; replaces serine 1318 with glycine.
Molecular consequence: missense variant.
Genome position (GRCh38, 1-based): chr17:31,235,999, A>G. VCF-style: chr17-31235999-A-G. GRCh37 (hg19) VCF-style: chr17-29563017-A-G.
Other names: c.3952A>G, p.Ser1318Gly (NM_000267.4); short protein forms S1318G.
Identifiers: ClinVar variation 2714891 (VCV002714891.4), dbSNP rs2151438666, ClinGen allele CA398993270.
Genomic context (GRCh38, chr17:31,235,999, plus strand): 5'-CAAAAACTCCTGGATCCTTTATTACGAATTGTGATCACATCCTCTGATTGGCAACATGTT[A>G]GCTTTGAAGTGGATCCTACCAGGTTTGTCATCTTTTCACATAGAACCGCTGTTTTTTGTT-3'
Protein context (NP_001035957.1, residues 1308-1328): VITSSDWQHV[Ser1318Gly]FEVDPTRLEP